The following is an entry in ClinVar:

NM_000417.3(IL2RA):c.367+7G>C

Gene: IL2RA (interleukin 2 receptor subunit alpha; minus strand). Cytogenetic location: 10p15.1.
Variant type: single nucleotide variant.
Coding change: c.367+7G>C on transcript NM_000417.3 (MANE Select); 7 bases into the intron after coding-DNA position 367, G replaced by C.
Molecular consequence: intron variant.
Genome position (GRCh38, 1-based): chr10:6,024,237, C>G on the plus strand (G>C on the coding strand, the complement: IL2RA is on the minus strand). VCF-style: chr10-6024237-C-G. GRCh37 (hg19) VCF-style: chr10-6066200-C-G.
Other names: p.?; c.367+7G>C (NM_001308243.2, NM_001308242.2).
Identifiers: ClinVar variation 300259 (VCV000300259.24), dbSNP rs11256369, ClinGen allele CA5397483.
Genomic context (GRCh38, chr10:6,024,237, plus strand): 5'-ACATCATCTGCCTGCAGGAGAAGGGTGCGCTAGCAGGAGTTAGCTGGAGGACAGATTCAT[C>G]TCTCACCTGGAAGGCTCGCTTGGTCCACTGGCTGCATTGGACTTTGCATTTCTGTGGTTT-3'

ClinVar aggregate classification (germline): Benign/Likely benign. Review status: criteria provided, multiple submitters, no conflicts (2 of 4 stars). 8 submissions from 8 submitters: Benign (7); Likely benign (1). Last evaluated 2026-02-04.

Conditions:
Immunodeficiency due to CD25 deficiency. Also called: CD25 DEFICIENCY; IL2RA DEFICIENCY; IMMUNODEFICIENCY 41 WITH LYMPHOPROLIFERATION AND AUTOIMMUNITY. Identifiers: Orphanet 169100, MedGen C1853392, MONDO:0011664, OMIM 606367.

Allele frequency attached by ClinVar (database versions not stated): 1000 Genomes Project 0.17931; gnomAD 0.20897; gnomAD exomes 0.21104 and 0.22760; ExAC 0.21261; TOPMed 0.16595; 1000 Genomes Project 30x 0.17255; ESP Exome Variant Server 0.17538.
gnomAD v4.1: 354,343 of 1,585,976 alleles (22%); highest among the groups gnomAD compares: East Asian, 25%; 41,976 homozygotes.

Submissions (8):

Labcorp Genetics (formerly Invitae), Labcorp
Classification: Benign for Immunodeficiency due to CD25 deficiency. Last evaluated: 2026-02-04. Review status: criteria provided, single submitter. Criteria: Invitae Variant Classification Sherloc (09022015). Collection method: clinical testing. Allele origin: germline.

Blueprint Genetics
Classification: Likely benign. Last evaluated: 2024-11-27. Review status: criteria provided, single submitter. Criteria: ACMG Guidelines, 2015. Collection method: clinical testing. Allele origin: germline.

Unidad de Genómica Garrahan, Hospital de Pediatría Garrahan
Classification: Benign. Last evaluated: 2023-11-12. Review status: criteria provided, single submitter. Criteria: ACMG Guidelines, 2015. Collection method: clinical testing. Allele origin: germline. Affected: no. Observed: 19 variant alleles.
Comment: This variant is classified as Benign based on local population frequency. This variant was detected in 20% of patients studied by a panel of primary immunodeficiencies. Number of patients: 19. Only high quality variants are reported.

Genome-Nilou Lab
Classification: Benign for Immunodeficiency due to CD25 deficiency. Last evaluated: 2021-08-19. Review status: criteria provided, single submitter. Criteria: ACMG Guidelines, 2015. Collection method: clinical testing. Allele origin: germline. Affected: no.

Mayo Clinic Laboratories, Mayo Clinic
Classification: Benign. Last evaluated: 2018-06-08. Review status: criteria provided, single submitter. Criteria: ACMG Guidelines, 2015. Collection method: clinical testing. Allele origin: germline. Observed: 376 variant alleles.

Illumina Laboratory Services, Illumina
Classification: Benign for Immunodeficiency due to CD25 deficiency. Last evaluated: 2018-01-13. Review status: criteria provided, single submitter. Criteria: ICSL Variant Classification Criteria 13 December 2019. Collection method: clinical testing. Allele origin: germline.
Comment: This variant was observed in the ICSL laboratory as part of a predisposition screen in an ostensibly healthy population. It had not been previously curated by ICSL or reported in the Human Gene Mutation Database (HGMD: prior to June 1st, 2018), and was therefore a candidate for classification through an automated scoring system. Utilizing variant allele frequency, disease prevalence and penetrance estimates, and inheritance mode, an automated score was calculated to assess if this variant is too frequent to cause the disease. Based on the score and internal cut-off values, a variant classified as benign is not then subjected to further curation. The score for this variant resulted in a classification of benign for this disease.

Laboratory for Molecular Medicine, Mass General Brigham Personalized Medicine
Classification: Benign. Last evaluated: 2016-03-28. Review status: criteria provided, single submitter. Criteria: LMM Criteria. Collection method: clinical testing. Allele origin: germline.
Comment: Variant identified in a genome or exome case(s) and assessed due to predicted null impact of the variant or pathogenic assertions in the literature or databases. Disclaimer: This variant has not undergone full assessment. The following are preliminary notes: Frequency

Breakthrough Genomics
Classification: Benign. Review status: criteria provided, single submitter. Criteria: ACMG Guidelines, 2015. Collection method: not provided. Allele origin: germline. Inheritance: Autosomal recessive inheritance. Affected: yes.